The following is an entry in ClinVar:

NM_002470.4(MYH3):c.523A>C (p.Ile175Leu)

Gene: MYH3 (myosin heavy chain 3; minus strand). Cytogenetic location: 17p13.1.
Variant type: single nucleotide variant.
Coding change: c.523A>C on transcript NM_002470.4 (MANE Select); coding-DNA position 523, A replaced by C.
Protein change: p.Ile175Leu; replaces isoleucine 175 with leucine.
Molecular consequence: missense variant.
Genome position (GRCh38, 1-based): chr17:10,650,384, T>G on the plus strand (A>C on the coding strand, the complement: MYH3 is on the minus strand). VCF-style: chr17-10650384-T-G. GRCh37 (hg19) VCF-style: chr17-10553701-T-G.
Other names: short protein forms I175L.
Identifiers: ClinVar variation 989268 (VCV000989268.4), dbSNP rs748140522, ClinGen allele CA398113851.
Genomic context (GRCh38, chr17:10,650,384, plus strand): 5'-ATAGAGCCAGTGGCACAGCTATGAAACCACTCTATGCCATGGATACTTACGTGATCAGAA[T>G]GGACTGGTTTTCACGATCTGCCAGAGGAAAAAATAAAATAGAGTTGATGGCAATAGAAAA-3'
Protein context (NP_002461.2, residues 165-185): FMLTDRENQS[Ile175Leu]LITGESGAGK

ClinVar aggregate classification (germline): Uncertain significance (1 of 4 stars; one submission).

Conditions:
MYH3-related disorder. Also called: MYH3-Related Disorders; MYH3-related condition. Identifiers: MedGen CN239329.

Submission:

Illumina Laboratory Services, Illumina
Classification: Uncertain significance for MYH3-Related Disorders. Last evaluated: 2020-05-21. Review status: criteria provided, single submitter. Criteria: ICSLVariantClassificationCriteria RUGD 01 April 2020. Collection method: clinical testing. Allele origin: unknown.
Comment: The MYH3 c.523A>C (p.Ile175Leu) variant is a missense variant. A literature search was performed for the gene, cDNA change, and amino acid change. No publications were found based on this search. This variant is not found in the Genome Aggregation Database in a region of good sequence coverage, suggesting that it is a rare variant. Based on the limited evidence, the p.Ile175Leu variant is classified as a variant of uncertain significance for MYH3-related disorders.